The following is an entry in ClinVar:

ClinVar aggregate classification (germline): Uncertain significance (1 of 4 stars; one submission).

Conditions:
Hereditary cancer-predisposing syndrome. Also called: Neoplastic Syndromes, Hereditary; Tumor predisposition; Hereditary neoplastic syndrome; Hereditary Cancer Syndrome. Identifiers: Orphanet 140162, MedGen C0027672, MeSH D009386, MONDO:0015356.

Submission:

Ambry Genetics
Classification: Uncertain significance for Hereditary cancer-predisposing syndrome. Last evaluated: 2026-07-06. Review status: criteria provided, single submitter. Criteria: Ambry Variant Classification Scheme 2023. Collection method: clinical testing. Allele origin: germline.
Comment: The p.R151T variant (also known as c.452G>C), located in coding exon 4 of the CDH1 gene, results from a G to C substitution at nucleotide position 452. The arginine at codon 151 is replaced by threonine, an amino acid with similar properties. This amino acid position is conserved. In addition, this alteration is predicted to be deleterious by in silico analysis. Based on the available evidence, the clinical significance of this variant remains unclear.

NM_004360.5(CDH1):c.452G>C (p.Arg151Thr)

Gene: CDH1 (cadherin 1; plus strand). Cytogenetic location: 16q22.1.
Variant type: single nucleotide variant.
Coding change: c.452G>C on transcript NM_004360.5 (MANE Select); coding-DNA position 452, G replaced by C.
Protein change: p.Arg151Thr; replaces arginine 151 with threonine.
Molecular consequence: missense variant. On other transcripts: 5 prime UTR variant (2).
Genome position (GRCh38, 1-based): chr16:68,808,488, G>C. VCF-style: chr16-68808488-G-C. GRCh37 (hg19) VCF-style: chr16-68842391-G-C.
Other names: c.452G>C, p.Arg151Thr (NM_001317184.2); c.-1164G>C (NM_001317185.2); c.-1368G>C (NM_001317186.2); short protein forms R151T.
Identifiers: ClinVar variation 5033918 (VCV005033918.1).
Genomic context (GRCh38, chr16:68,808,488, plus strand): 5'-CCGTTTCTGGAATCCAAGCAGAATTGCTCACATTTCCCAACTCCTCTCCTGGCCTCAGAA[G>C]ACAGAAGAGAGACTGGGTTATTCCTCCCATCAGCTGCCCAGAAAATGAAAAAGGCCCATT-3'
Protein context (NP_004351.1, residues 141-161): TFPNSSPGLR[Arg151Thr]QKRDWVIPPI